The following is an entry in ClinVar:

NM_001079866.2(BCS1L):c.493A>T (p.Lys165Ter)

Gene: BCS1L (BCS1 ubiquinol-cytochrome c reductase complex chaperone; plus strand). Cytogenetic location: 2q35.
Variant type: single nucleotide variant.
Coding change: c.493A>T on transcript NM_001079866.2 (MANE Select); coding-DNA position 493, A replaced by T.
Protein change: p.Lys165Ter; replaces lysine 165 with a stop codon.
Molecular consequence: nonsense. On other transcripts: 5 prime UTR variant (6), non-coding transcript variant (1).
Genome position (GRCh38, 1-based): chr2:218,661,791, A>T. VCF-style: chr2-218661791-A-T. GRCh37 (hg19) VCF-style: chr2-219526514-A-T.
Other names: c.493A>T (NM_004328.4); c.493A>T, p.Lys165Ter (NM_001257342.2, NM_001257343.2, NM_001257344.2 and 10 more transcripts); c.133A>T, p.Lys45Ter (NM_001318836.2, NM_001371451.1); c.-9A>T (NM_001371452.1, NM_001371453.1, NM_001371454.1 and 3 more transcripts); short protein forms K165*, K45*.
Identifiers: ClinVar variation 1414470 (VCV001414470.10), dbSNP rs1559317208, ClinGen allele CA350626981.

ClinVar aggregate classification (germline): Pathogenic/Likely pathogenic. Review status: criteria provided, multiple submitters, no conflicts (2 of 4 stars). 4 submissions from 4 submitters: Pathogenic (1); Likely pathogenic (3). Last evaluated 2025-08-24.

Conditions:
GRACILE syndrome (FLNMS). Also called: FELLMAN SYNDROME; FINNISH LETHAL NEONATAL METABOLIC SYNDROME. Identifiers: Orphanet 53693, MedGen C1864002, MONDO:0011308, OMIM 603358.
Pili torti-deafness syndrome (BJS). Also called: PILI TORTI AND NERVE DEAFNESS; Bjornstad syndrome. Identifiers: Orphanet 123, MedGen C0266006, MONDO:0009872, OMIM 262000.
Mitochondrial complex III deficiency nuclear type 1. Identifiers: Orphanet 254902, MedGen C3541471, MONDO:0007415, OMIM 124000.

Submissions (4):

Labcorp Genetics (formerly Invitae), Labcorp
Classification: Pathogenic. Last evaluated: 2025-08-24. Review status: criteria provided, single submitter. Criteria: Invitae Variant Classification Sherloc (09022015). Collection method: clinical testing. Allele origin: germline.
Comment: This sequence change creates a premature translational stop signal (p.Lys165*) in the BCS1L gene. It is expected to result in an absent or disrupted protein product. Loss-of-function variants in BCS1L are known to be pathogenic (PMID: 12215968, 17314340, 19162478, 19508421, 22277166, 25895478). This variant is not present in population databases (gnomAD no frequency). This variant has not been reported in the literature in individuals affected with BCS1L-related conditions. ClinVar contains an entry for this variant (Variation ID: 1414470). Algorithms developed to predict the effect of sequence changes on RNA splicing suggest that this variant may disrupt the consensus splice site. For these reasons, this variant has been classified as Pathogenic.

Natera, Inc.
Classification: Likely pathogenic for GRACILE syndrome. Last evaluated: 2024-10-28. Review status: criteria provided, single submitter. Criteria: Natera Variant Classification Schema (03/2026). Collection method: clinical testing. Allele origin: germline.
Comment: The c.493A>T variant in BCS1L is a nonsense variant predicted to introduce a stop codon at amino acid 165. This variant is expected to result in nonsense mediated decay, truncation, or a dysfunctional protein product. This variant is rare in the general population with a frequency below the threshold expected for the associated phenotype(s). Given the available evidence, this variant is classified as Likely Pathogenic.

Fulgent Genetics
Classification: Likely pathogenic for Mitochondrial complex III deficiency nuclear type 1; Pili torti-deafness syndrome; GRACILE syndrome. Last evaluated: 2024-03-12. Review status: criteria provided, single submitter. Criteria: ACMG Guidelines, 2015. Collection method: clinical testing. Allele origin: germline.

Baylor Genetics
Classification: Likely pathogenic for Pili torti-deafness syndrome. Last evaluated: 2024-01-16. Review status: criteria provided, single submitter. Criteria: ACMG Guidelines, 2015. Collection method: clinical testing. Allele origin: unknown.

Literature cited by the submitters: PubMed 12215968 (cited by Labcorp Genetics (formerly Invitae), Labcorp); PubMed 17314340 (cited by Labcorp Genetics (formerly Invitae), Labcorp); PubMed 19162478 (cited by Labcorp Genetics (formerly Invitae), Labcorp); PubMed 19508421 (cited by Labcorp Genetics (formerly Invitae), Labcorp); PubMed 22277166 (cited by Labcorp Genetics (formerly Invitae), Labcorp); PubMed 25895478 (cited by Labcorp Genetics (formerly Invitae), Labcorp).